The following is an entry in ClinVar:

NM_006567.5(FARS2):c.389T>G (p.Leu130Arg)

Genes: FARS2 (phenylalanyl-tRNA synthetase 2, mitochondrial; plus strand), LOC126859565 (CDK7 strongly-dependent group 2 enhancer GRCh37_chr6:5368745-5369944; plus strand). Cytogenetic location: 6p25.1.
Variant type: single nucleotide variant.
Coding change: c.389T>G on transcript NM_006567.5 (MANE Select); coding-DNA position 389, T replaced by G.
Protein change: p.Leu130Arg; replaces leucine 130 with arginine.
Molecular consequence: missense variant. On other transcripts: intron variant (2).
Genome position (GRCh38, 1-based): chr6:5,368,959, T>G. VCF-style: chr6-5368959-T-G. GRCh37 (hg19) VCF-style: chr6-5369192-T-G.
Other names: c.389T>G, p.Leu130Arg (NM_001318872.2, NM_001374875.1, NM_001374876.1 and 5 more transcripts); c.-340-27674T>G (NM_001375260.1); c.-84-35583T>G (NM_001375259.1); short protein forms L130R.
Identifiers: ClinVar variation 2037452 (VCV002037452.4), dbSNP rs948622043, ClinGen allele CA134301571.
Genomic context (GRCh38, chr6:5,368,959, plus strand): 5'-TCTCGGTCTACGACAACCTTTCTCCAGTGGTCACGACCTGGCAGAACTTTGACAGCCTGC[T>G]CATCCCAGCTGATCACCCCAGCAGGAAGAAGGGGGACAACTATTACCTGAATCGGACTCA-3'
Protein context (NP_006558.1, residues 120-140): VTTWQNFDSL[Leu130Arg]IPADHPSRKK

ClinVar aggregate classification (germline): Uncertain significance (1 of 4 stars; one submission).

Conditions:
Combined oxidative phosphorylation defect type 14. Also called: Combined oxidative phosphorylation deficiency 14. Identifiers: Orphanet 319519, MedGen C4755312, MONDO:0013986, OMIM 614946.

Submission:

Labcorp Genetics (formerly Invitae), Labcorp
Classification: Uncertain significance for Combined oxidative phosphorylation defect type 14. Last evaluated: 2025-01-14. Review status: criteria provided, single submitter. Criteria: Invitae Variant Classification Sherloc (09022015). Collection method: clinical testing. Allele origin: germline.
Comment: This sequence change replaces leucine, which is neutral and non-polar, with arginine, which is basic and polar, at codon 130 of the FARS2 protein (p.Leu130Arg). This variant is not present in population databases (gnomAD no frequency). This variant has not been reported in the literature in individuals affected with FARS2-related conditions. ClinVar contains an entry for this variant (Variation ID: 2037452). Invitae Evidence Modeling of protein sequence and biophysical properties (such as structural, functional, and spatial information, amino acid conservation, physicochemical variation, residue mobility, and thermodynamic stability) indicates that this missense variant is expected to disrupt FARS2 protein function with a positive predictive value of 95%. In summary, the available evidence is currently insufficient to determine the role of this variant in disease. Therefore, it has been classified as a Variant of Uncertain Significance.